The following is an entry in ClinVar:

NM_000404.4(GLB1):c.331G>A (p.Ala111Thr)

Gene: GLB1 (galactosidase beta 1; minus strand). Cytogenetic location: 3p22.3.
Variant type: single nucleotide variant.
Coding change: c.331G>A on transcript NM_000404.4 (MANE Select); coding-DNA position 331, G replaced by A.
Protein change: p.Ala111Thr; replaces alanine 111 with threonine.
Molecular consequence: missense variant. On other transcripts: intron variant (1).
Genome position (GRCh38, 1-based): chr3:33,068,885, C>T on the plus strand (G>A on the coding strand, the complement: GLB1 is on the minus strand). VCF-style: chr3-33068885-C-T. GRCh37 (hg19) VCF-style: chr3-33110377-C-T.
Other names: c.241G>A, p.Ala81Thr (NM_001079811.3); c.475G>A, p.Ala159Thr (NM_001317040.2); c.331G>A, p.Ala111Thr (NM_001393580.1); c.246-3328G>A (NM_001135602.3); short protein forms A111T, A81T, A159T.
Identifiers: ClinVar variation 2125855 (VCV002125855.1), dbSNP rs2471437850, ClinGen allele CA351994774.
Genomic context (GRCh38, chr3:33,068,885, plus strand): 5'-CCCACTCTGCACAGATGTAGGGCCCGGGCCTCAGGATAACCAGCAGTCCCAGCTCATGAG[C>T]CAGCCGAAGAAAATATTCCACATCATGGTCCTCAGAAAACTGGTACTGTCCTGGCCAGGG-3'
Protein context (NP_000395.3, residues 101-121): DHDVEYFLRL[Ala111Thr]HELGLLVILR

ClinVar aggregate classification (germline): Uncertain significance (1 of 4 stars; one submission).

Conditions:
Mucopolysaccharidosis, MPS-IV-B (MPS4B). Also called: Mucopolysaccharidosis type IV B; Mucopolysaccharidosis Type IVB; Mucopolysaccharidosis type IVB (Morquio); MPS IVB; MORQUIO SYNDROME B; Mucopolysaccharidosis Type IVB (Morquio B Disease). Identifiers: Orphanet 309310, Orphanet 582, MedGen C0086652, MONDO:0009660, OMIM 253010.
GM1 gangliosidosis. Identifiers: Orphanet 354, MedGen C0085131, MONDO:0018149.

Allele frequency attached by ClinVar (database versions not stated): gnomAD exomes below 0.00001.
gnomAD v4.1: 3 of 1,614,128 alleles (0.00019%); highest among the groups gnomAD compares: Non-Finnish European, 0.00025%; no homozygotes.

Submission:

Labcorp Genetics (formerly Invitae), Labcorp
Classification: Uncertain significance for Mucopolysaccharidosis, MPS-IV-B; GM1 gangliosidosis. Last evaluated: 2022-05-16. Review status: criteria provided, single submitter. Criteria: Invitae Variant Classification Sherloc (09022015). Collection method: clinical testing. Allele origin: germline.
Comment: This sequence change replaces alanine, which is neutral and non-polar, with threonine, which is neutral and polar, at codon 111 of the GLB1 protein (p.Ala111Thr). This variant is not present in population databases (gnomAD no frequency). This variant has not been reported in the literature in individuals affected with GLB1-related conditions. Advanced modeling of protein sequence and biophysical properties (such as structural, functional, and spatial information, amino acid conservation, physicochemical variation, residue mobility, and thermodynamic stability) performed at Invitae indicates that this missense variant is expected to disrupt GLB1 protein function. In summary, the available evidence is currently insufficient to determine the role of this variant in disease. Therefore, it has been classified as a Variant of Uncertain Significance.